The following is an entry in ClinVar:

ClinVar aggregate classification (germline): Uncertain significance. Review status: criteria provided, multiple submitters, no conflicts (2 of 4 stars). 2 submissions from 2 submitters: Uncertain significance (2). Last evaluated 2021-12-24.

Submissions (2):

Ambry Genetics
Classification: Uncertain significance. Last evaluated: 2021-12-24. Review status: criteria provided, single submitter. Criteria: Ambry Variant Classification Scheme 2023. Collection method: clinical testing. Allele origin: germline.
Comment: The p.S291T variant (also known as c.871T>A), located in coding exon 9 of the FAM175A gene, results from a T to A substitution at nucleotide position 871. The serine at codon 291 is replaced by threonine, an amino acid with similar properties. This amino acid position is conserved. In addition, this alteration is predicted to be tolerated by in silico analysis. Since supporting evidence is limited at this time, the clinical significance of this alteration remains unclear.

Labcorp Genetics (formerly Invitae), Labcorp
Classification: Uncertain significance. Last evaluated: 2020-12-23. Review status: criteria provided, single submitter. Criteria: Invitae Variant Classification Sherloc (09022015). Collection method: clinical testing. Allele origin: germline.
Comment: In summary, the available evidence is currently insufficient to determine the role of this variant in disease. Therefore, it has been classified as a Variant of Uncertain Significance. Algorithms developed to predict the effect of missense changes on protein structure and function output the following: SIFT: "Tolerated"; PolyPhen-2: "Benign"; Align-GVGD: "Class C0". The threonine amino acid residue is found in multiple mammalian species, suggesting that this missense change does not adversely affect protein function. These predictions have not been confirmed by published functional studies and their clinical significance is uncertain. This variant has not been reported in the literature in individuals with ABRAXAS1-related conditions. This variant is not present in population databases (ExAC no frequency). This sequence change replaces serine with threonine at codon 291 of the ABRAXAS1 protein (p.Ser291Thr). The serine residue is moderately conserved and there is a small physicochemical difference between serine and threonine.

NM_139076.3(ABRAXAS1):c.871T>A (p.Ser291Thr)

Gene: ABRAXAS1 (abraxas 1, BRCA1 A complex subunit; minus strand). Cytogenetic location: 4q21.23.
Variant type: single nucleotide variant.
Coding change: c.871T>A on transcript NM_139076.3 (MANE Select); coding-DNA position 871, T replaced by A.
Protein change: p.Ser291Thr; replaces serine 291 with threonine.
Molecular consequence: missense variant.
Genome position (GRCh38, 1-based): chr4:83,462,828, A>T on the plus strand (T>A on the coding strand, the complement: ABRAXAS1 is on the minus strand). VCF-style: chr4-83462828-A-T. GRCh37 (hg19) VCF-style: chr4-84383981-A-T.
Other names: c.544T>A, p.Ser182Thr (NM_001345962.2); short protein forms S182T, S291T.
Identifiers: ClinVar variation 1478420 (VCV001478420.10), dbSNP rs2110033286, ClinGen allele CA357256437.